The following is an entry in ClinVar:

NM_001267550.2(TTN):c.101850AAG[1] (p.Arg33951del)

Genes: TTN (titin; minus strand), TTN-AS1 (TTN antisense RNA 1; plus strand). Cytogenetic location: 2q31.2.
Variant type: Microsatellite.
Coding change: c.101850AAG[1] on transcript NM_001267550.2 (MANE Select); one copy of the 3-base unit AAG starting at c.101850; the reference has two copies in a row; one copy, 3 bases deleted.
Protein change: p.Arg33951del; deletes arginine 33951.
Genome position (GRCh38, 1-based): chr2:178,534,760-178,534,762, CTT deleted on the plus strand (AAG on the coding strand, the reverse complement: TTN is on the minus strand); deleting any 3 consecutive bases within chr2:178,534,760-178,534,767 gives the same sequence; the position shown is the placement nearest the transcript's 3' end. VCF-style (leftmost placement, unchanged base first): chr2-178534759-GCTT-G. GRCh37 (hg19) VCF-style: chr2-179399486-GCTT-G.
Other names: c.96927AAG[1], p.Arg32310del (NM_001256850.1); c.74655AAG[1], p.Arg24886del (NM_003319.4); c.94146AAG[1], p.Arg31383del (NM_133378.4); c.75030AAG[1], p.Arg25011del (NM_133432.3); c.75231AAG[1], p.Arg25078del (NM_133437.4); c.74658_74660delAAG (NM_003319.4); short protein forms R25011del, R25078del, R24886del, R32310del, R33951del, R31383del.
Identifiers: ClinVar variation 3463799 (VCV003463799.1).

ClinVar aggregate classification (germline): Uncertain significance (1 of 4 stars; one submission).

Conditions:
Cardiovascular phenotype. Identifiers: MedGen CN230736.

Submission:

Ambry Genetics
Classification: Uncertain significance for Cardiovascular phenotype. Last evaluated: 2024-10-22. Review status: criteria provided, single submitter. Criteria: Ambry Variant Classification Scheme 2023. Collection method: clinical testing. Allele origin: germline.
Comment: The c.74658_74660delAAG variant (also known as p.R24886del), located in coding exon 185 of the TTN gene, results from an in-frame AAG deletion at nucleotide positions 74658 to 74660. This results in the in-frame deletion of an arginine at codon 24886. This amino acid position is not well conserved in available vertebrate species. In addition, this alteration is predicted to be deleterious by in silico analysis (Choi Y et al. PLoS ONE. 2012; 7(10):e46688). Based on the available evidence, the clinical significance of this variant remains unclear.